The following is an entry in ClinVar:

NM_017617.5(NOTCH1):c.5231T>G (p.Phe1744Cys)

Gene: NOTCH1 (notch receptor 1; minus strand). Cytogenetic location: 9q34.3.
Variant type: single nucleotide variant.
Coding change: c.5231T>G on transcript NM_017617.5 (MANE Select); coding-DNA position 5231, T replaced by G.
Protein change: p.Phe1744Cys; replaces phenylalanine 1744 with cysteine.
Molecular consequence: missense variant.
Genome position (GRCh38, 1-based): chr9:136,502,425, A>C on the plus strand (T>G on the coding strand, the complement: NOTCH1 is on the minus strand). VCF-style: chr9-136502425-A-C. GRCh37 (hg19) VCF-style: chr9-139396877-A-C.
Other names: short protein forms F1744C.
Identifiers: ClinVar variation 4121648 (VCV004121648.1).

ClinVar aggregate classification (germline): Uncertain significance (1 of 4 stars; one submission).

Conditions:
Familial thoracic aortic aneurysm and aortic dissection (TAAD). Also called: Thoracic aortic aneurysms and dissections. Identifiers: Orphanet 91387, MedGen C4707243, MONDO:0019625.

Submission:

Ambry Genetics
Classification: Uncertain significance for Familial thoracic aortic aneurysm and aortic dissection. Last evaluated: 2025-06-30. Review status: criteria provided, single submitter. Criteria: Ambry Variant Classification Scheme 2023. Collection method: clinical testing. Allele origin: germline.
Comment: The p.F1744C variant (also known as c.5231T>G), located in coding exon 28 of the NOTCH1 gene, results from a T to G substitution at nucleotide position 5231. The phenylalanine at codon 1744 is replaced by cysteine, an amino acid with highly dissimilar properties. This amino acid position is conserved. In addition, the in silico prediction for this alteration is inconclusive. Based on the available evidence, the clinical significance of this variant remains unclear.